The following is an entry in ClinVar:

ClinVar aggregate classification (germline): Pathogenic; drug response. Review status: reviewed by expert panel (3 of 4 stars). 26 submissions from 25 submitters: Pathogenic (1). 24 of the submissions do not count toward it. Last evaluated 2021-03-24.

Conditions:
CFTR-related disorder (CFTR-RD). Also called: CFTR-related condition; CFTR-related disorders. Identifiers: MedGen C5924204, MONDO:7770004.
Congenital bilateral aplasia of vas deferens from CFTR mutation (CBAVD). Identifiers: Orphanet 48, MedGen C0403814, MONDO:0010178, OMIM 277180. Disease mechanism: loss of function.
Cystic fibrosis (CF). Also called: MUCOVISCIDOSIS. Identifiers: Orphanet 586, MedGen C0010674, MONDO:0009061, OMIM 219700. Disease mechanism: loss of function.
Hereditary pancreatitis (PCTT). Also called: PRSS1-Related Hereditary Pancreatitis; Hereditary chronic pancreatitis. Identifiers: Orphanet 676, MedGen C0238339, MONDO:0008185, OMIM 167800.
Bronchiectasis with or without elevated sweat chloride 1 (BESC1). Also called: Cystic Fibrosis-Like Syndrome. Identifiers: Orphanet 60033, MedGen C2749757, MONDO:0008887, OMIM 211400.
ivacaftor response - Efficacy. Identifiers: MedGen CN322735.

Allele frequency attached by ClinVar (database versions not stated): gnomAD 0.00001; TOPMed 0.00002.
gnomAD v4.1: 11 of 1,610,814 alleles (0.00068%); highest among the groups gnomAD compares: Admixed American, 0.0067%; no homozygotes.

Submissions 1 to 12 of 26:

ClinPGx
Classification: drug response for ivacaftor response - Efficacy. Last evaluated: 2021-03-24. Review status: reviewed by expert panel. Criteria: Pharmacogenomics knowledge for personalized medicine. Collection method: curation. Allele origin: germline. Affected: yes.
Comment: PharmGKB Level of Evidence 1A: Level 1A clinical annotations describe variant-drug combinations that have variant-specific prescribing guidance available in a current clinical guideline annotation or an FDA-approved drug label annotation. Annotations of drug labels or clinical guidelines must give prescribing guidance for specific variants (e.g. CYP2C9*3, HLA-B*57:01) or provide mapping from defined allele functions to diplotypes and phenotypes to be used as supporting evidence for a level 1A clinical annotation. Level 1A clinical annotations must also be supported by at least one publication in addition to a clinical guideline or drug label with variant-specific prescribing guidance.

Drug is not necessarily used to treat response condition

CFTR2
Classification: Pathogenic for Cystic fibrosis. Last evaluated: 2017-03-17. Review status: reviewed by expert panel. Criteria: Sosnay PR et al. (Nat Genet 2013). Collection method: research. Allele origin: germline. Affected: yes. Study: CFTR2.

Labcorp Genetics (formerly Invitae), Labcorp
Classification: Pathogenic for Cystic fibrosis. Last evaluated: 2026-01-17. Review status: criteria provided, single submitter. Criteria: Invitae Variant Classification Sherloc (09022015). Collection method: clinical testing. Allele origin: germline. Not counted in ClinVar's aggregate classification.
Comment: This sequence change replaces serine, which is neutral and polar, with arginine, which is basic and polar, at codon 549 of the CFTR protein (p.Ser549Arg). This variant is present in population databases (rs121909005, gnomAD 0.006%). This missense change has been observed in individual(s) with cystic fibrosis or congenital absence of the vas deferens (PMID: 10923036, 11005149, 16840743, 23082198). In at least one individual the data is consistent with being in trans (on the opposite chromosome) from a pathogenic variant. ClinVar contains an entry for this variant (Variation ID: 40190). Invitae Evidence Modeling of protein sequence and biophysical properties (such as structural, functional, and spatial information, amino acid conservation, physicochemical variation, residue mobility, and thermodynamic stability) indicates that this missense variant is expected to disrupt CFTR protein function with a positive predictive value of 80%. Experimental studies have shown that this missense change affects CFTR function (PMID: 1712898, 10764788, 12080183, 23974870). For these reasons, this variant has been classified as Pathogenic.

Natera, Inc.
Classification: Pathogenic for CFTR-related disorders. Last evaluated: 2026-01-06. Review status: criteria provided, single submitter. Criteria: Natera Variant Classification Schema (03/2026). Collection method: clinical testing. Allele origin: germline. Not counted in ClinVar's aggregate classification.
Comment: The c.1647T>G variant in CFTR is a missense variant predicted to cause substitution of serine to arginine at amino acid 549. This variant is rare in the general population with a frequency below the threshold expected for the associated phenotype(s). This variant has been observed in one or more individuals affected with the associated recessive disease, as either homozygous or compound heterozygous with a second variant (PMID: 30996306). Given the available evidence, this variant is classified as Pathogenic.

Dasa
Classification: Pathogenic. Last evaluated: 2025-12-11. Review status: criteria provided, single submitter. Criteria: DASA Assertion Criteria. Collection method: clinical testing. Allele origin: germline. Not counted in ClinVar's aggregate classification.
Comment: NM_000492.4(CFTR):c.1647T>G (p.Ser549Arg) is a missense variant that results in the substitution of serine with arginine. This variant results in the same amino acid change as a previously established pathogenic variant. This variant has been observed in affected individuals with related phenotype in a genotype context consistent with recessive disease (PMID: 1712898; PMID: 10764788; PMID: 12080183; PMID: 23974870; PMID: 10923036). Functional evidence supports a deleterious effect on the gene or gene product (PMID: 1712898; PMID: 10764788; PMID: 12080183; PMID: 23974870; PMID: 10923036). This variant has been recurrently observed in individuals with related phenotype (PMID: 1712898; PMID: 10764788; PMID: 12080183; PMID: 23974870; PMID: 10923036). Multiple computational predictions support a deleterious effect on the gene or gene product. The variant is present at low frequency in population datasets. Based on the available data, this variant is classified as pathogenic.

Johns Hopkins Genomics, Johns Hopkins University
Classification: Pathogenic for Cystic fibrosis. Last evaluated: 2024-12-17. Review status: criteria provided, single submitter. Criteria: ACMG Guidelines, 2015. Collection method: clinical testing. Allele origin: germline. Not counted in ClinVar's aggregate classification.
Comment: Disease-causing CFTR variant. See CFTR2 for phenotype information.

Victorian Clinical Genetics Services, Murdoch Childrens Research Institute
Classification: Pathogenic for Cystic fibrosis. Last evaluated: 2024-11-25. Review status: criteria provided, single submitter. Criteria: ACMG Guidelines, 2015. Collection method: clinical testing. Allele origin: germline. Affected: yes. Not counted in ClinVar's aggregate classification.
Comment: This variant is classified as Pathogenic. Evidence in support of pathogenic classification: Variant is present in gnomAD <0.01 for a recessive condition (v4: 11 heterozygote(s), 0 homozygote(s)). An alternative nucleotide substitution resulting in the same amino acid change is also present in gnomAD (v4: 2 heterozygote(s), 0 homozygote(s)); This variant has strong previous evidence of pathogenicity in unrelated individuals. This variant has been classified as pathogenic by the CFTR2 expert panel for classic cystic fibrosis (ClinVar). Additional information: Variant is predicted to result in a missense amino acid change from serine to arginine; This variant is heterozygous; This gene is associated with autosomal recessive disease; An alternative amino acid change at the same position has been observed in gnomAD (v4: 64 heterozygote(s), 0 homozygote(s)); Loss of function is a known mechanism of disease in this gene and is associated with cystic fibrosis (MIM#219700).

Blueprint Genetics
Classification: Pathogenic for CFTR-related disorders. Last evaluated: 2024-11-04. Review status: criteria provided, single submitter. Criteria: ACMG Guidelines, 2015. Collection method: clinical testing. Allele origin: germline. Affected: yes. Observed: 3 variant alleles. Not counted in ClinVar's aggregate classification.

Dubai Health Genomic Medicine Center, Dubai Health
Classification: Pathogenic for Cystic fibrosis. Last evaluated: 2024-10-04. Review status: criteria provided, single submitter. Criteria: ACMG Guidelines, 2015. Collection method: research. Allele origin: germline. Affected: yes. Not counted in ClinVar's aggregate classification.
Comment: PS1,PS3,PM3(strong),PM2,PM5

Genomic Medicine Center of Excellence, King Faisal Specialist Hospital and Research Centre
Classification: Pathogenic for Cystic fibrosis. Last evaluated: 2024-03-17. Review status: criteria provided, single submitter. Criteria: ACMG Guidelines, 2015. Collection method: research. Allele origin: germline. Not counted in ClinVar's aggregate classification.

Baylor Genetics
Classification: Pathogenic for Bronchiectasis with or without elevated sweat chloride 1. Last evaluated: 2024-02-22. Review status: criteria provided, single submitter. Criteria: ACMG Guidelines, 2015. Collection method: clinical testing. Allele origin: unknown. Not counted in ClinVar's aggregate classification.

Ambry Genetics
Classification: Pathogenic for Cystic fibrosis. Last evaluated: 2023-05-10. Review status: criteria provided, single submitter. Criteria: Ambry Variant Classification Scheme 2023. Collection method: clinical testing. Allele origin: germline. Not counted in ClinVar's aggregate classification.
Comment: The p.S549R pathogenic mutation (also known as c.1647T>G and 1779T>G), located in coding exon 12 of the CFTR gene, results from a T to G substitution at nucleotide position 1647. The serine at codon 549 is replaced by arginine, an amino acid with dissimilar properties. This mutation has been described in the homozygous state in 15 individuals of Middle Eastern descent with pancreatic insufficiency, severe pulmonary disease, and elevated sweat chloride levels (Frossard PM et al. Eur. Respir. J., 1999 Jan;13:100-2). This pathogenic mutation is associated with elevated sweat chloride levels and pancreatic insufficiency; in vitro functional studies showed this mutation results very little to no to chloride conductance compared to wild type (Sosnay PR et al. Nat. Genet., 2013 Oct;45:1160-7). Based on the supporting evidence, this alteration is interpreted as a disease-causing mutation.

NM_000492.4(CFTR):c.1647T>G (p.Ser549Arg)

Genes: CFTR (CF transmembrane conductance regulator; plus strand), LOC111674475 (CFTR intron 11 enhancer; plus strand). Cytogenetic location: 7q31.2.
Variant type: single nucleotide variant.
Coding change: c.1647T>G on transcript NM_000492.4 (MANE Select); coding-DNA position 1647, T replaced by G.
Protein change: p.Ser549Arg; replaces serine 549 with arginine.
Molecular consequence: missense variant.
Genome position (GRCh38, 1-based): chr7:117,587,801, T>G. VCF-style: chr7-117587801-T-G. GRCh37 (hg19) VCF-style: chr7-117227855-T-G.
Other names: S549R (T->G); short protein forms S549R.
Identifiers: ClinVar variation 40190 (VCV000040190.73), dbSNP rs121909005, ClinGen allele CA254107.